The following is an entry in ClinVar:

NM_002439.5(MSH3):c.3262C>G (p.His1088Asp)

Gene: MSH3 (mutS homolog 3; plus strand). Cytogenetic location: 5q14.1.
Variant type: single nucleotide variant.
Coding change: c.3262C>G on transcript NM_002439.5 (MANE Select); coding-DNA position 3262, C replaced by G.
Protein change: p.His1088Asp; replaces histidine 1088 with aspartic acid.
Molecular consequence: missense variant.
Genome position (GRCh38, 1-based): chr5:80,873,247, C>G. VCF-style: chr5-80873247-C-G. GRCh37 (hg19) VCF-style: chr5-80169066-C-G.
Other names: short protein forms H1088D.
Identifiers: ClinVar variation 3398758 (VCV003398758.1).
Genomic context (GRCh38, chr5:80,873,247, plus strand): 5'-TATGGATTAAATGTGGCTAAACTAGCAGATGTTCCTGGAGAAATTTTGAAGAAAGCAGCT[C>G]ACAAGTCAAAAGAGCTGGAAGGATTAATAAATACGAAAAGGTCAGAGTGATTATGCTGCA-3'
Protein context (NP_002430.3, residues 1078-1098): VPGEILKKAA[His1088Asp]KSKELEGLIN

ClinVar aggregate classification (germline): Uncertain significance (1 of 4 stars; one submission).

Conditions:
Hereditary cancer-predisposing syndrome. Also called: Hereditary Cancer Syndrome; Tumor predisposition; Hereditary neoplastic syndrome; Neoplastic Syndromes, Hereditary. Identifiers: Orphanet 140162, MedGen C0027672, MeSH D009386, MONDO:0015356.

Submission:

Ambry Genetics
Classification: Uncertain significance for Hereditary cancer-predisposing syndrome. Last evaluated: 2024-10-29. Review status: criteria provided, single submitter. Criteria: Ambry Variant Classification Scheme 2023. Collection method: clinical testing. Allele origin: germline.
Comment: The p.H1088D variant (also known as c.3262C>G), located in coding exon 23 of the MSH3 gene, results from a C to G substitution at nucleotide position 3262. The histidine at codon 1088 is replaced by aspartic acid, an amino acid with similar properties. This amino acid position is conserved. In addition, this alteration is predicted to be tolerated by in silico analysis. Based on the available evidence, the clinical significance of this variant remains unclear.